The following is an entry in ClinVar:

NM_020822.3(KCNT1):c.2217G>A (p.Ser739=)

Gene: KCNT1 (potassium sodium-activated channel subfamily T member 1; plus strand). Cytogenetic location: 9q34.3.
Variant type: single nucleotide variant.
Coding change: c.2217G>A on transcript NM_020822.3 (MANE Select); coding-DNA position 2217, G replaced by A.
Protein change: p.Ser739=; no amino-acid change (serine 739 retained).
Molecular consequence: synonymous variant.
Genome position (GRCh38, 1-based): chr9:135,772,923, G>A. VCF-style: chr9-135772923-G-A. GRCh37 (hg19) VCF-style: chr9-138664769-G-A.
Other names: c.2082G>A, p.Ser694= (NM_001272003.2).
Identifiers: ClinVar variation 194983 (VCV000194983.17), dbSNP rs143678590, ClinGen allele CA241237.

ClinVar aggregate classification (germline): Conflicting classifications of pathogenicity. Review status: criteria provided, conflicting classifications (1 of 4 stars). 4 submissions from 4 submitters: Uncertain significance (1); Benign (1); Likely benign (2). Last evaluated 2026-01-19.

Conditions:
Inborn genetic diseases. Identifiers: MedGen C0950123, MeSH D030342.
Developmental and epileptic encephalopathy, 14 (DEE14). Also called: Early infantile epileptic encephalopathy 14. Identifiers: Orphanet 293181, MedGen C3554195, MONDO:0013989, OMIM 614959.
Autosomal dominant nocturnal frontal lobe epilepsy 5. Also called: Epilepsy, nocturnal frontal lobe, 5; CILIARY DYSKINESIA, PRIMARY, 28, WITHOUT SITUS INVERSUS; CILIARY DYSKINESIA, PRIMARY, 28, WITH SITUS INVERSUS; KCNT1-Related Epilepsy. Identifiers: Orphanet 98784, MedGen C3554306, MONDO:0014002, OMIM 615005.

Allele frequency attached by ClinVar (database versions not stated): TOPMed 0.00005; gnomAD exomes 0.00006 and 0.00011; ESP Exome Variant Server 0.00008; 1000 Genomes Project 30x 0.00016; 1000 Genomes Project 0.00020; ExAC 0.00038.
gnomAD v4.1: 86 of 1,521,706 alleles (0.0057%); highest among the groups gnomAD compares: Admixed American, 0.013%; no homozygotes.

Submissions (4):

Labcorp Genetics (formerly Invitae), Labcorp
Classification: Benign for Autosomal dominant nocturnal frontal lobe epilepsy 5; Developmental and epileptic encephalopathy, 14. Last evaluated: 2026-01-19. Review status: criteria provided, single submitter. Criteria: Invitae Variant Classification Sherloc (09022015). Collection method: clinical testing. Allele origin: germline.

Ambry Genetics
Classification: Likely benign for Inborn genetic diseases. Last evaluated: 2018-01-23. Review status: criteria provided, single submitter. Criteria: Ambry Variant Classification Scheme 2023. Collection method: clinical testing. Allele origin: germline.

GeneDx
Classification: Likely benign. Last evaluated: 2016-02-12. Review status: criteria provided, single submitter. Criteria: GeneDx Variant Classification (06012015). Collection method: clinical testing. Allele origin: germline. Affected: yes.
Comment: This variant is considered likely benign or benign based on one or more of the following criteria: it is a conservative change, it occurs at a poorly conserved position in the protein, it is predicted to be benign by multiple in silico algorithms, and/or has population frequency not consistent with disease.

Eurofins Ntd Llc (ga)
Classification: Uncertain significance. Last evaluated: 2015-03-06. Review status: criteria provided, single submitter. Criteria: EGL Classification Definitions 2015. Collection method: clinical testing. Allele origin: germline. Observed: 1 variant allele, 1 heterozygote.